The following is an entry in ClinVar:

NM_000092.5(COL4A4):c.657+67A>G

Gene: COL4A4 (collagen type IV alpha 4 chain; minus strand). Cytogenetic location: 2q36.3.
Variant type: single nucleotide variant.
Coding change: c.657+67A>G on transcript NM_000092.5 (MANE Select); 67 bases into the intron after coding-DNA position 657, A replaced by G.
Molecular consequence: intron variant.
Genome position (GRCh38, 1-based): chr2:227,109,157, T>C on the plus strand (A>G on the coding strand, the complement: COL4A4 is on the minus strand). VCF-style: chr2-227109157-T-C. GRCh37 (hg19) VCF-style: chr2-227973873-T-C.
Identifiers: ClinVar variation 682768 (VCV000682768.6), dbSNP rs58363082, ClinGen allele CA2145527.

ClinVar aggregate classification (germline): Benign. Review status: criteria provided, multiple submitters, no conflicts (2 of 4 stars). 4 submissions from 4 submitters: Benign (4). Last evaluated 2024-07-15.

Conditions:
Autosomal recessive Alport syndrome (ATS2). Also called: COL4A3-Related Nephropathy; Alport syndrome type 2; COL4A4 Alport Syndrome and Thin Basement Membrane Nephropathy; ALPORT SYNDROME 2, AUTOSOMAL RECESSIVE. Identifiers: Orphanet 63, Orphanet 88919, MedGen C4746745, MONDO:0008762, OMIM 203780.

Allele frequency attached by ClinVar (database versions not stated): gnomAD exomes 0.09567 and 0.13649; ExAC 0.14347; ESP Exome Variant Server 0.19524; gnomAD 0.20936 and 0.21126; TOPMed 0.23194; 1000 Genomes Project 0.28674; 1000 Genomes Project 30x 0.29341.
gnomAD v4.1: 158,471 of 1,459,722 alleles (11%); highest among the groups gnomAD compares: African/African-American, 51%; 17,225 homozygotes.

Submissions (4):

Unidad de Genómica Garrahan, Hospital de Pediatría Garrahan
Classification: Benign. Last evaluated: 2024-07-15. Review status: criteria provided, single submitter. Criteria: ACMG Guidelines, 2015. Collection method: clinical testing. Allele origin: germline. Affected: no. Observed: 21 variant alleles.
Comment: This variant is classified as Benign based on local population frequency. This variant was detected in 23% of patients studied in a panel designed for Epileptic and Developmental Encephalopathy and Progressive Myoclonus Epilepsy. Number of patients: 21. Only high quality variants are reported.

Genome-Nilou Lab
Classification: Benign for Autosomal recessive Alport syndrome. Last evaluated: 2021-07-10. Review status: criteria provided, single submitter. Criteria: ACMG Guidelines, 2015. Collection method: clinical testing. Allele origin: germline. Affected: no.

GeneDx
Classification: Benign. Last evaluated: 2018-06-16. Review status: criteria provided, single submitter. Criteria: GeneDx Variant Classification (06012015). Collection method: clinical testing. Allele origin: germline. Affected: yes.
Comment: This variant is considered likely benign or benign based on one or more of the following criteria: it is a conservative change, it occurs at a poorly conserved position in the protein, it is predicted to be benign by multiple in silico algorithms, and/or has population frequency not consistent with disease.

Breakthrough Genomics
Classification: Benign. Review status: criteria provided, single submitter. Criteria: ACMG Guidelines, 2015. Collection method: not provided. Allele origin: germline. Inheritance: Autosomal recessive inheritance. Affected: yes.